The following is an entry in ClinVar:

ClinVar aggregate classification (germline): Uncertain significance (1 of 4 stars; one submission).

Submission:

Labcorp Genetics (formerly Invitae), Labcorp
Classification: Uncertain significance. Last evaluated: 2023-05-05. Review status: criteria provided, single submitter. Criteria: Invitae Variant Classification Sherloc (09022015). Collection method: clinical testing. Allele origin: germline.
Comment: In summary, the available evidence is currently insufficient to determine the role of this variant in disease. Therefore, it has been classified as a Variant of Uncertain Significance. Advanced modeling of protein sequence and biophysical properties (such as structural, functional, and spatial information, amino acid conservation, physicochemical variation, residue mobility, and thermodynamic stability) performed at Invitae indicates that this missense variant is not expected to disrupt MTOR protein function. This variant has not been reported in the literature in individuals affected with MTOR-related conditions. This variant is not present in population databases (gnomAD no frequency). This sequence change replaces serine, which is neutral and polar, with proline, which is neutral and non-polar, at codon 918 of the MTOR protein (p.Ser918Pro).

NM_004958.4(MTOR):c.2752T>C (p.Ser918Pro)

Gene: MTOR (mechanistic target of rapamycin kinase; minus strand). Cytogenetic location: 1p36.22.
Variant type: single nucleotide variant.
Coding change: c.2752T>C on transcript NM_004958.4 (MANE Select); coding-DNA position 2752, T replaced by C.
Protein change: p.Ser918Pro; replaces serine 918 with proline.
Molecular consequence: missense variant.
Genome position (GRCh38, 1-based): chr1:11,230,952, A>G on the plus strand (T>C on the coding strand, the complement: MTOR is on the minus strand). VCF-style: chr1-11230952-A-G. GRCh37 (hg19) VCF-style: chr1-11291009-A-G.
Other names: c.2752T>C, p.Ser918Pro (NM_001386500.1); c.1504T>C, p.Ser502Pro (NM_001386501.1); short protein forms S502P, S918P.
Identifiers: ClinVar variation 2859652 (VCV002859652.3), dbSNP rs2100865929, ClinGen allele CA338380732.